The following is an entry in ClinVar:

ClinVar aggregate classification (germline): Benign/Likely benign. Review status: criteria provided, multiple submitters, no conflicts (2 of 4 stars). 7 submissions from 7 submitters: Benign (4); Likely benign (2). 1 of the submissions does not count toward it. Last evaluated 2026-09-01.

Conditions:
AHDC1-related intellectual disability - obstructive sleep apnea - mild dysmorphism syndrome. Also called: Xia-Gibbs syndrome. Identifiers: Orphanet 412069, MedGen C4014419, MONDO:0014358, OMIM 615829.
AHDC1-related disorder. Also called: AHDC1-related condition.

Allele frequency attached by ClinVar (database versions not stated): 1000 Genomes Project 30x 0.00109; 1000 Genomes Project 0.00120; gnomAD 0.00535; gnomAD exomes 0.00580; TOPMed 0.00631; ESP Exome Variant Server 0.00792; ExAC 0.00807.
gnomAD v4.1: 13,598 of 1,608,408 alleles (0.85%); highest among the groups gnomAD compares: Non-Finnish European, 1%; 82 homozygotes.

Submissions (7):

CeGaT Center for Human Genetics Tuebingen
Classification: Benign. Last evaluated: 2026-09-01. Review status: criteria provided, single submitter. Criteria: CeGaT Center For Human Genetics Tuebingen Variant Classification Criteria Version 2. Collection method: clinical testing. Allele origin: germline. Affected: yes. Observed: 35 variant alleles.
Comment: AHDC1: PP2, BS1, BS2

Labcorp Genetics (formerly Invitae), Labcorp
Classification: Benign. Last evaluated: 2026-01-26. Review status: criteria provided, single submitter. Criteria: Invitae Variant Classification Sherloc (09022015). Collection method: clinical testing. Allele origin: germline.

Genome-Nilou Lab
Classification: Benign for AHDC1-related intellectual disability - obstructive sleep apnea - mild dysmorphism syndrome. Last evaluated: 2021-12-05. Review status: criteria provided, single submitter. Criteria: ACMG Guidelines, 2015. Collection method: clinical testing. Allele origin: germline. Affected: no.

GeneDx
Classification: Benign. Last evaluated: 2018-12-04. Review status: criteria provided, single submitter. Criteria: GeneDx Variant Classification Process June 2021. Collection method: clinical testing. Allele origin: germline. Affected: yes.

Center for Pediatric Genomic Medicine, Children's Mercy Hospital and Clinics
Classification: Likely benign. Last evaluated: 2016-07-18. Review status: criteria provided, single submitter. Criteria: ACMG Guidelines, 2015. Collection method: clinical testing. Allele origin: germline.
ClinVar note: Converted during submission from Likely Benign to Likely benign.

Breakthrough Genomics
Classification: Likely benign. Review status: criteria provided, single submitter. Criteria: ACMG Guidelines, 2015. Collection method: not provided. Allele origin: germline. Inheritance: Autosomal dominant inheritance. Affected: yes.

PreventionGenetics, part of Exact Sciences
Classification: Benign for AHDC1-related condition. Last evaluated: 2020-03-17. Review status: no assertion criteria provided. Collection method: clinical testing. Allele origin: germline. Not counted in ClinVar's aggregate classification.
Comment: This variant is classified as benign based on ACMG/AMP sequence variant interpretation guidelines (Richards et al. 2015 PMID: 25741868, with internal and published modifications).

NM_001371928.1(AHDC1):c.1411G>A (p.Val471Met)

Gene: AHDC1 (AT-hook DNA binding motif containing 1; minus strand). Cytogenetic location: 1p36.11.
Variant type: single nucleotide variant.
Coding change: c.1411G>A on transcript NM_001371928.1 (MANE Select); coding-DNA position 1411, G replaced by A.
Protein change: p.Val471Met; replaces valine 471 with methionine.
Molecular consequence: missense variant.
Genome position (GRCh38, 1-based): chr1:27,550,705, C>T on the plus strand (G>A on the coding strand, the complement: AHDC1 is on the minus strand). VCF-style: chr1-27550705-C-T. GRCh37 (hg19) VCF-style: chr1-27877216-C-T.
Other names: c.1411G>A (NM_001029882.2); c.1411G>A, p.Val471Met (NM_001029882.3); short protein forms V471M.
Identifiers: ClinVar variation 376920 (VCV000376920.46), dbSNP rs147276945, ClinGen allele CA715948.